The following is an entry in ClinVar:

NM_206933.4(USH2A):c.13228C>T (p.His4410Tyr)

Gene: USH2A (usherin; minus strand). Cytogenetic location: 1q41.
Variant type: single nucleotide variant.
Coding change: c.13228C>T on transcript NM_206933.4 (MANE Select); coding-DNA position 13228, C replaced by T.
Protein change: p.His4410Tyr; replaces histidine 4410 with tyrosine.
Molecular consequence: missense variant.
Genome position (GRCh38, 1-based): chr1:215,674,683, G>A on the plus strand (C>T on the coding strand, the complement: USH2A is on the minus strand). VCF-style: chr1-215674683-G-A. GRCh37 (hg19) VCF-style: chr1-215848025-G-A.
Other names: short protein forms H4410Y.
Identifiers: ClinVar variation 2506749 (VCV002506749.1), dbSNP rs2464896357, ClinGen allele CA344846099.

ClinVar aggregate classification (germline): Uncertain significance (1 of 4 stars; one submission).

Submission:

GeneDx
Classification: Uncertain significance. Last evaluated: 2022-12-21. Review status: criteria provided, single submitter. Criteria: GeneDx Variant Classification Process June 2021. Collection method: clinical testing. Allele origin: germline. Affected: yes.
Comment: Not observed at significant frequency in large population cohorts (gnomAD); In silico analysis supports that this missense variant does not alter protein structure/function; Has not been previously published as pathogenic or benign to our knowledge